The following is an entry in ClinVar:

ClinVar aggregate classification (germline): Pathogenic. Review status: criteria provided, multiple submitters, no conflicts (2 of 4 stars). 6 submissions from 6 submitters: Pathogenic (6). Last evaluated 2025-09-27.

Conditions:
Hereditary cancer-predisposing syndrome. Also called: Neoplastic Syndromes, Hereditary; Hereditary neoplastic syndrome; Tumor predisposition; Hereditary Cancer Syndrome. Identifiers: Orphanet 140162, MedGen C0027672, MeSH D009386, MONDO:0015356.
Cardiovascular phenotype. Identifiers: MedGen CN230736.
Neurofibromatosis, type 1 (NF1). Also called: NEUROFIBROMATOSIS, TYPE I, SOMATIC; VON RECKLINGHAUSEN DISEASE; Peripheral type neurofibromatosis; Neurofibromatosis, type I. Identifiers: Orphanet 636, MedGen C0027831, MONDO:0018975, OMIM 162200. Disease mechanism: loss of function.

Submissions (6):

Labcorp Genetics (formerly Invitae), Labcorp
Classification: Pathogenic for Neurofibromatosis, type 1. Last evaluated: 2025-09-27. Review status: criteria provided, single submitter. Criteria: Invitae Variant Classification Sherloc (09022015). Collection method: clinical testing. Allele origin: germline.
Comment: This sequence change creates a premature translational stop signal (p.Lys2547Glnfs*9) in the NF1 gene. It is expected to result in an absent or disrupted protein product. Loss-of-function variants in NF1 are known to be pathogenic (PMID: 10712197, 23913538). This variant is not present in population databases (gnomAD no frequency). This premature translational stop signal has been observed in individual(s) with neurofibromatosis type 1 (PMID: 10712197). Invitae Evidence Modeling of clinical and family history, age, sex, and reported ancestry of multiple individuals with this NF1 variant has been performed. This variant is expected to be pathogenic with a positive predictive value of at least 99%. This is a validated machine learning model that incorporates the clinical features of 1,785,918 individuals referred to our laboratory for NF1 testing. This variant is also known as 7633insC. ClinVar contains an entry for this variant (Variation ID: 547695). Algorithms developed to predict the effect of sequence changes on RNA splicing suggest that this variant may disrupt the consensus splice site. For these reasons, this variant has been classified as Pathogenic.

Genomic Medicine Center of Excellence, King Faisal Specialist Hospital and Research Centre
Classification: Pathogenic for Neurofibromatosis, type 1. Last evaluated: 2024-09-02. Review status: criteria provided, single submitter. Criteria: ACMG Guidelines, 2015. Collection method: clinical testing. Allele origin: germline.

Ambry Genetics
Classification: Pathogenic for Cardiovascular phenotype; Hereditary cancer-predisposing syndrome. Last evaluated: 2023-11-16. Review status: criteria provided, single submitter. Criteria: Ambry Variant Classification Scheme 2023. Collection method: clinical testing. Allele origin: germline.
Comment: The c.7638dupC pathogenic mutation, located in coding exon 51 of the NF1 gene, results from a duplication of C at nucleotide position 7638, causing a translational frameshift with a predicted alternate stop codon (p.K2547Qfs*9). This alteration is expected to result in loss of function by premature protein truncation or nonsense-mediated mRNA decay. As such, this alteration is interpreted as a disease-causing mutation.

GeneDx
Classification: Pathogenic. Last evaluated: 2022-10-27. Review status: criteria provided, single submitter. Criteria: GeneDx Variant Classification Process June 2021. Collection method: clinical testing. Allele origin: germline. Affected: yes.
Comment: Not observed at significant frequency in large population cohorts (gnomAD); Frameshift variant predicted to result in protein truncation or nonsense mediated decay in a gene for which loss of function is a known mechanism of disease; This variant is associated with the following publications: (PMID: 10712197)

Genome-Nilou Lab
Classification: Pathogenic for Neurofibromatosis, type 1. Last evaluated: 2022-03-15. Review status: criteria provided, single submitter. Criteria: ACMG Guidelines, 2015. Collection method: clinical testing. Allele origin: germline. Affected: no.

Center for Human Genetics, Inc
Classification: Pathogenic for Neurofibromatosis, type 1. Last evaluated: 2016-11-01. Review status: criteria provided, single submitter. Criteria: ACMG Guidelines, 2015. Collection method: clinical testing. Allele origin: germline. Affected: yes.

Literature cited by the submitters: PubMed 10712197 (cited by Labcorp Genetics (formerly Invitae), Labcorp); PubMed 23913538 (cited by Labcorp Genetics (formerly Invitae), Labcorp).

NM_001042492.3(NF1):c.7701dup (p.Lys2568fs)

Gene: NF1 (neurofibromin 1; plus strand). Cytogenetic location: 17q11.2.
Variant type: Duplication.
Coding change: c.7701dup on transcript NM_001042492.3 (MANE Select); coding-DNA position 7701, one base duplicated (C; older notation c.7701dupC).
Protein change: p.Lys2568fs; shifts the reading frame from lysine 2568.
Molecular consequence: frameshift variant.
Genome position (GRCh38, 1-based): chr17:31,356,545, C duplicated; the last of 6 consecutive C bases (chr17:31,356,540-31,356,545); duplicating any one gives the same sequence. VCF-style (leftmost placement, unchanged base first): chr17-31356539-A-AC. GRCh37 (hg19) VCF-style: chr17-29683557-A-AC.
Other names: c.7638dupC (NM_000267.3); c.7638dup, p.Lys2547Glnfs (NM_000267.4); short protein forms K2547fs, K2568fs.
Identifiers: ClinVar variation 547695 (VCV000547695.19), dbSNP rs1060500295, ClinGen allele CA658824594.